The following is an entry in ClinVar:

ClinVar aggregate classification (germline): Likely benign (0 of 4 stars; one submission).

Conditions:
PPARG-related disorder. Also called: PPARG-related disorders; PPARG-related condition.

Submission:

PreventionGenetics, part of Exact Sciences
Classification: Likely benign for PPARG-related condition. Last evaluated: 2023-05-11. Review status: no assertion criteria provided. Collection method: clinical testing. Allele origin: germline.
Comment: This variant is classified as likely benign based on ACMG/AMP sequence variant interpretation guidelines (Richards et al. 2015 PMID: 25741868, with internal and published modifications).

NM_138711.6(PPARG):c.391-7T>C

Gene: PPARG (peroxisome proliferator activated receptor gamma; plus strand). Cytogenetic location: 3p25.2.
Variant type: single nucleotide variant.
Coding change: c.391-7T>C on transcript NM_138711.6 (MANE Select); 7 bases into the intron before coding-DNA position 391, T replaced by C.
Molecular consequence: intron variant.
Genome position (GRCh38, 1-based): chr3:12,392,607, T>C. VCF-style: chr3-12392607-T-C. GRCh37 (hg19) VCF-style: chr3-12434106-T-C.
Other names: c.391-7T>C (NM_001354666.3, NM_138712.5, NM_005037.7 and 6 more transcripts); c.-37-7T>C (NM_001354669.2); c.397-7T>C (NM_001374266.1, NM_001354670.2); c.481-7T>C (NM_015869.5, NM_001374265.1, NM_001354668.2).
Identifiers: ClinVar variation 3356734 (VCV003356734.1).